The following is an entry in ClinVar:

ClinVar aggregate classification (germline): Likely benign (1 of 4 stars; one submission).

Allele frequency attached by ClinVar (database versions not stated): gnomAD exomes below 0.00001 and 0.00001.

Submission:

CeGaT Center for Human Genetics Tuebingen
Classification: Likely benign. Last evaluated: 2022-07-01. Review status: criteria provided, single submitter. Criteria: CeGaT Center For Human Genetics Tuebingen Variant Classification Criteria Version 2. Collection method: clinical testing. Allele origin: germline. Affected: yes. Observed: 1 variant allele.
Comment: POLR2A: BP4

NM_000937.5(POLR2A):c.3466-3C>T

Gene: POLR2A (RNA polymerase II subunit A; plus strand). Cytogenetic location: 17p13.1.
Variant type: single nucleotide variant.
Coding change: c.3466-3C>T on transcript NM_000937.5 (MANE Select); 3 bases into the intron before coding-DNA position 3466, C replaced by T.
Molecular consequence: intron variant.
Genome position (GRCh38, 1-based): chr17:7,508,941, C>T. VCF-style: chr17-7508941-C-T. GRCh37 (hg19) VCF-style: chr17-7412260-C-T.
Identifiers: ClinVar variation 1701305 (VCV001701305.31), dbSNP rs1449571762, ClinGen allele CA624863823.
Genomic context (GRCh38, chr17:7,508,941, plus strand): 5'-GGGTTAGAAGAGACGTTTAGAGCTACTCAGTTCCCTGTGTCATGGACTTCTGTCTCTTCC[C>T]AGGATATTCTGTGCCGTCTGGAGCATACAACGTTGAGGAAGGTGACTGCCAACACAGCCA-3'